The following is an entry in ClinVar:

ClinVar aggregate classification (germline): Benign (1 of 4 stars; one submission).

Allele frequency attached by ClinVar (database versions not stated): 1000 Genomes Project 0.30970; 1000 Genomes Project 30x 0.31777; TOPMed 0.39463; gnomAD exomes 0.39507; gnomAD 0.40256 and 0.41117.

Submission:

GeneDx
Classification: Benign. Last evaluated: 2018-06-14. Review status: criteria provided, single submitter. Criteria: GeneDx Variant Classification (06012015). Collection method: clinical testing. Allele origin: germline. Affected: yes.
Comment: This variant is considered likely benign or benign based on one or more of the following criteria: it is a conservative change, it occurs at a poorly conserved position in the protein, it is predicted to be benign by multiple in silico algorithms, and/or has population frequency not consistent with disease.

NM_001291303.3(FAT4):c.11801-123C>T

Gene: FAT4 (FAT atypical cadherin 4; plus strand). Cytogenetic location: 4q28.1.
Variant type: single nucleotide variant.
Coding change: c.11801-123C>T on transcript NM_001291303.3 (MANE Select); 123 bases into the intron before coding-DNA position 11801, C replaced by T.
Molecular consequence: intron variant.
Genome position (GRCh38, 1-based): chr4:125,463,440, C>T. VCF-style: chr4-125463440-C-T. GRCh37 (hg19) VCF-style: chr4-126384595-C-T.
Other names: c.11801-123C>T (NM_001291285.3); c.11795-123C>T (NM_024582.6).
Identifiers: ClinVar variation 680145 (VCV000680145.1), dbSNP rs4146009, ClinGen allele CA11822498.
Genomic context (GRCh38, chr4:125,463,440, plus strand): 5'-ACAACTAAACAAGATTTTAAATTCTAAGATATTATTCTAATTTCCTTATGTCAAGTAAAA[C>T]GTTTTTATATTTCTTTTCTCCGTGATATGCCTTAGGAAAGATTTTTACGTATGGTAATGG-3'